The following is an entry in ClinVar:

ClinVar aggregate classification (germline): Uncertain significance (1 of 4 stars; one submission).

Conditions:
Autosomal recessive limb-girdle muscular dystrophy type 2J (LGMDR10). Also called: Limb-girdle muscular dystrophy, type 2J; MUSCULAR DYSTROPHY, LIMB-GIRDLE, AUTOSOMAL RECESSIVE 10. Identifiers: Orphanet 140922, MedGen C1837342, MONDO:0012127, OMIM 608807.
Dilated cardiomyopathy 1G (CMD1G). Identifiers: Orphanet 154, MedGen C1858763, MONDO:0011400, OMIM 604145.

Submission:

Labcorp Genetics (formerly Invitae), Labcorp
Classification: Uncertain significance for Dilated cardiomyopathy 1G; Autosomal recessive limb-girdle muscular dystrophy type 2J. Last evaluated: 2018-05-30. Review status: criteria provided, single submitter. Criteria: Invitae Variant Classification Sherloc (09022015). Collection method: clinical testing. Allele origin: germline.
Comment: This variant results in a copy number gain of the genomic region encompassing exons 72-88 of the TTN gene. While the exact position of this variant cannot be determined from this data, sub-genic copy number gains are generally in tandem (PMID: 25640679). This variant would be expected to be in-frame, preserving the integrity of the reading frame. In summary, the available evidence is currently insufficient to determine the role of this variant in disease. Therefore, it has been classified as a Variant of Uncertain Significance. This variant has not been reported in the literature in individuals with TTN-related disease.¬†This variant is located in the I band of TTN (PMID: 25589632).¬†Variants in this region may be relevant for neuromuscular disorders, but have not been definitively shown to cause cardiomyopathy (PMID: 23975875).

Literature cited by the submitters: PubMed 25640679; PubMed 25589632; PubMed 23975875.

NC_000002.11:g.(?_179581802)_(179589285_?)dup

Genes: TTN (titin; minus strand), LOC126806428 (BRD4-independent group 4 enhancer GRCh37_chr2:179588362-179589561; plus strand). Cytogenetic location: 2q31.2.
Variant type: Duplication.
Identifiers: ClinVar variation 583785 (VCV000583785.4).